The following is an entry in ClinVar:

NM_001042492.3(NF1):c.4432T>C (p.Phe1478Leu)

Gene: NF1 (neurofibromin 1; plus strand). Cytogenetic location: 17q11.2.
Variant type: single nucleotide variant.
Coding change: c.4432T>C on transcript NM_001042492.3 (MANE Select); coding-DNA position 4432, T replaced by C.
Protein change: p.Phe1478Leu; replaces phenylalanine 1478 with leucine.
Molecular consequence: missense variant.
Genome position (GRCh38, 1-based): chr17:31,260,370, T>C. VCF-style: chr17-31260370-T-C. GRCh37 (hg19) VCF-style: chr17-29587388-T-C.
Other names: c.4369T>C, p.Phe1457Leu (NM_000267.4); short protein forms F1478L, F1457L.
Identifiers: ClinVar variation 2859443 (VCV002859443.3), dbSNP rs1555618802, ClinGen allele CA398999126.
Genomic context (GRCh38, chr17:31,260,370, plus strand): 5'-CAAACATAAGTCTGGGTGTATCTGGTGTTGAAAATTCTAATGACTTTGCATTTTTGAAGG[T>C]TTTTCCTTGATATAGCATCTGATTGTCCTACAAGTGATGCAGTAAATCATAGTCTTTCCT-3'
Protein context (NP_001035957.1, residues 1468-1488): VKSNFDAARR[Phe1478Leu]FLDIASDCPT

ClinVar aggregate classification (germline): Uncertain significance (1 of 4 stars; one submission).

Conditions:
Neurofibromatosis, type 1 (NF1). Also called: Neurofibromatosis, type I; NEUROFIBROMATOSIS, TYPE I, SOMATIC; Peripheral type neurofibromatosis; VON RECKLINGHAUSEN DISEASE. Identifiers: Orphanet 636, MedGen C0027831, MONDO:0018975, OMIM 162200. Disease mechanism: loss of function.

Submission:

Labcorp Genetics (formerly Invitae), Labcorp
Classification: Uncertain significance for Neurofibromatosis, type 1. Last evaluated: 2023-06-05. Review status: criteria provided, single submitter. Criteria: Invitae Variant Classification Sherloc (09022015). Collection method: clinical testing. Allele origin: germline.
Comment: In summary, the available evidence is currently insufficient to determine the role of this variant in disease. Therefore, it has been classified as a Variant of Uncertain Significance. This variant is not present in population databases (gnomAD no frequency). This sequence change replaces phenylalanine, which is neutral and non-polar, with leucine, which is neutral and non-polar, at codon 1457 of the NF1 protein (p.Phe1457Leu). Advanced modeling of protein sequence and biophysical properties (such as structural, functional, and spatial information, amino acid conservation, physicochemical variation, residue mobility, and thermodynamic stability) performed at Invitae indicates that this missense variant is expected to disrupt NF1 protein function. This variant has not been reported in the literature in individuals affected with NF1-related conditions.